The following is an entry in ClinVar:

ClinVar aggregate classification (germline): Likely benign (0 of 4 stars; one submission).

Conditions:
RAB3GAP2-related disorder. Also called: RAB3GAP2-related condition; RAB3GAP2-related disorders.

Allele frequency attached by ClinVar (database versions not stated): gnomAD exomes 0.00002; gnomAD 0.00003; ESP Exome Variant Server 0.00008.
gnomAD v4.1: 36 of 1,613,976 alleles (0.0022%); highest among the groups gnomAD compares: Non-Finnish European, 0.0028%; no homozygotes.

Submission:

PreventionGenetics, part of Exact Sciences
Classification: Likely benign for RAB3GAP2-related condition. Last evaluated: 2021-04-27. Review status: no assertion criteria provided. Collection method: clinical testing. Allele origin: germline.
Comment: This variant is classified as likely benign based on ACMG/AMP sequence variant interpretation guidelines (Richards et al. 2015 PMID: 25741868, with internal and published modifications).

NM_012414.4(RAB3GAP2):c.1584G>A (p.Val528=)

Gene: RAB3GAP2 (RAB3 GTPase activating non-catalytic protein subunit 2; minus strand). Cytogenetic location: 1q41.
Variant type: single nucleotide variant.
Coding change: c.1584G>A on transcript NM_012414.4 (MANE Select); coding-DNA position 1584, G replaced by A.
Protein change: p.Val528=; no amino-acid change (valine 528 retained).
Molecular consequence: synonymous variant.
Genome position (GRCh38, 1-based): chr1:220,190,424, C>T on the plus strand (G>A on the coding strand, the complement: RAB3GAP2 is on the minus strand). VCF-style: chr1-220190424-C-T. GRCh37 (hg19) VCF-style: chr1-220363766-C-T.
Identifiers: ClinVar variation 3029930 (VCV003029930.2), dbSNP rs372216761, ClinGen allele CA1402671.